The following is an entry in ClinVar:

NM_006206.6(PDGFRA):c.1211G>A (p.Ser404Asn)

Gene: PDGFRA (platelet derived growth factor receptor alpha; plus strand). Cytogenetic location: 4q12.
Variant type: single nucleotide variant.
Coding change: c.1211G>A on transcript NM_006206.6 (MANE Select); coding-DNA position 1211, G replaced by A.
Protein change: p.Ser404Asn; replaces serine 404 with asparagine.
Molecular consequence: missense variant.
Genome position (GRCh38, 1-based): chr4:54,270,722, G>A. VCF-style: chr4-54270722-G-A. GRCh37 (hg19) VCF-style: chr4-55136889-G-A.
Other names: c.1211G>A, p.Ser404Asn (NM_001347827.2, NM_001347829.2); c.1286G>A, p.Ser429Asn (NM_001347828.2); c.1250G>A, p.Ser417Asn (NM_001347830.2); short protein forms S404N, S429N, S417N.
Identifiers: ClinVar variation 664028 (VCV000664028.11), dbSNP rs1577719688, ClinGen allele CA356892063.

ClinVar aggregate classification (germline): Uncertain significance. Review status: criteria provided, multiple submitters, no conflicts (2 of 4 stars). 3 submissions from 3 submitters: Uncertain significance (3). Last evaluated 2025-01-05.

Conditions:
Gastrointestinal stromal tumor. Also called: Gastrointestinal stromal tumor, somatic; Gastrointestinal stroma tumor. Identifiers: Orphanet 44890, MedGen C0238198, MeSH D046152, MONDO:0011719, OMIM 606764, HP:0100723.
Hereditary cancer-predisposing syndrome. Also called: Neoplastic Syndromes, Hereditary; Hereditary Cancer Syndrome; Tumor predisposition; Hereditary neoplastic syndrome. Identifiers: Orphanet 140162, MedGen C0027672, MeSH D009386, MONDO:0015356.

Submissions (3):

Ambry Genetics
Classification: Uncertain significance for Hereditary cancer-predisposing syndrome. Last evaluated: 2025-01-05. Review status: criteria provided, single submitter. Criteria: Ambry Variant Classification Scheme 2023. Collection method: clinical testing. Allele origin: germline.
Comment: The p.S404N variant (also known as c.1211G>A), located in coding exon 7 of the PDGFRA gene, results from a G to A substitution at nucleotide position 1211. The serine at codon 404 is replaced by asparagine, an amino acid with highly similar properties. This amino acid position is conserved. In addition, this alteration is predicted to be tolerated by in silico analysis. Since supporting evidence is limited at this time, the clinical significance of this alteration remains unclear.

Labcorp Genetics (formerly Invitae), Labcorp
Classification: Uncertain significance for Gastrointestinal stromal tumor. Last evaluated: 2023-10-20. Review status: criteria provided, single submitter. Criteria: Invitae Variant Classification Sherloc (09022015). Collection method: clinical testing. Allele origin: germline.
Comment: This sequence change replaces serine, which is neutral and polar, with asparagine, which is neutral and polar, at codon 404 of the PDGFRA protein (p.Ser404Asn). This variant is not present in population databases (gnomAD no frequency). This variant has not been reported in the literature in individuals affected with PDGFRA-related conditions. ClinVar contains an entry for this variant (Variation ID: 664028). Advanced modeling of protein sequence and biophysical properties (such as structural, functional, and spatial information, amino acid conservation, physicochemical variation, residue mobility, and thermodynamic stability) performed at Invitae indicates that this missense variant is not expected to disrupt PDGFRA protein function. In summary, the available evidence is currently insufficient to determine the role of this variant in disease. Therefore, it has been classified as a Variant of Uncertain Significance.

Blueprint Genetics
Classification: Uncertain significance. Last evaluated: 2023-02-23. Review status: criteria provided, single submitter. Criteria: ACMG Guidelines, 2015. Collection method: clinical testing. Allele origin: germline.